The following is an entry in ClinVar:

NM_004385.5(VCAN):c.3086G>A (p.Gly1029Glu)

Gene: VCAN (versican; plus strand). Cytogenetic location: 5q14.3.
Variant type: single nucleotide variant.
Coding change: c.3086G>A on transcript NM_004385.5 (MANE Select); coding-DNA position 3086, G replaced by A.
Protein change: p.Gly1029Glu; replaces glycine 1029 with glutamic acid.
Molecular consequence: missense variant. On other transcripts: intron variant (2).
Genome position (GRCh38, 1-based): chr5:83,521,392, G>A. VCF-style: chr5-83521392-G-A. GRCh37 (hg19) VCF-style: chr5-82817211-G-A.
Other names: c.3086G>A, p.Gly1029Glu (NM_001164098.2); c.1042+8996G>A (NM_001164097.2, NM_001126336.3); short protein forms G1029E.
Identifiers: ClinVar variation 852498 (VCV000852498.12), dbSNP rs896731319, ClinGen allele CA121793227.

ClinVar aggregate classification (germline): Uncertain significance. Review status: criteria provided, single submitter (1 of 4 stars). 2 submissions from 2 submitters: Uncertain significance (1). 1 of the submissions does not count toward it. Last evaluated 2025-12-12.

Conditions:
VCAN-related disorder. Also called: VCAN-related condition.

Allele frequency attached by ClinVar (database versions not stated): gnomAD 0.00001; TOPMed 0.00002.
gnomAD v4.1: 17 of 1,614,112 alleles (0.0011%); highest among the groups gnomAD compares: East Asian, 0.0045%; no homozygotes.

Submissions (2):

Labcorp Genetics (formerly Invitae), Labcorp
Classification: Uncertain significance. Last evaluated: 2025-12-12. Review status: criteria provided, single submitter. Criteria: Invitae Variant Classification Sherloc (09022015). Collection method: clinical testing. Allele origin: germline.
Comment: This sequence change replaces glycine, which is neutral and non-polar, with glutamic acid, which is acidic and polar, at codon 1029 of the VCAN protein (p.Gly1029Glu). This variant is not present in population databases (gnomAD no frequency). This variant has not been reported in the literature in individuals affected with VCAN-related conditions. ClinVar contains an entry for this variant (Variation ID: 852498). An algorithm developed to predict the effect of missense changes on protein structure and function outputs the following: PolyPhen-2: "Benign". The glutamic acid amino acid residue is found in multiple mammalian species, which suggests that this missense change does not adversely affect protein function. In summary, the available evidence is currently insufficient to determine the role of this variant in disease. Therefore, it has been classified as a Variant of Uncertain Significance.

PreventionGenetics, part of Exact Sciences
Classification: Uncertain significance for VCAN-related condition. Last evaluated: 2024-05-03. Review status: no assertion criteria provided. Collection method: clinical testing. Allele origin: germline. Not counted in ClinVar's aggregate classification.
Comment: The VCAN c.3086G>A variant is predicted to result in the amino acid substitution p.Gly1029Glu. To our knowledge, this variant has not been reported in the literature or in gnomAD, indicating this variant is rare. At this time, the clinical significance of this variant is uncertain due to the absence of conclusive functional and genetic evidence.